The following is an entry in ClinVar:

ClinVar aggregate classification (germline): Uncertain significance. Review status: criteria provided, multiple submitters, no conflicts (2 of 4 stars). 2 submissions from 2 submitters: Uncertain significance (2). Last evaluated 2025-04-19.

Conditions:
Renal tubular acidosis, distal, 4, with hemolytic anemia. Also called: Renal Tubular Acidosis, Distal, with Hemolytic Anemia. Identifiers: Orphanet 93610, MedGen C5436235, MONDO:0012700, OMIM 611590.
Inborn genetic diseases. Identifiers: MedGen C0950123, MeSH D030342.

Allele frequency attached by ClinVar (database versions not stated): gnomAD exomes below 0.00001.
gnomAD v4.1: 7 of 1,614,132 alleles (0.00043%); highest among the groups gnomAD compares: East Asian, 0.016%; no homozygotes.

Submissions (2):

Ambry Genetics
Classification: Uncertain significance for Inborn genetic diseases. Last evaluated: 2025-04-19. Review status: criteria provided, single submitter. Criteria: Ambry Variant Classification Scheme 2023. Collection method: clinical testing. Allele origin: germline.

Juno Genomics, Hangzhou Juno Genomics, Inc
Classification: Uncertain significance for Renal tubular acidosis, distal, 4, with hemolytic anemia. Review status: criteria provided, single submitter. Criteria: ACMG Guidelines, 2015. Collection method: clinical testing. Allele origin: germline.
Comment: Absent from controls (or at extremely low frequency if recessive) in Genome Aggregation Database.;Multiple lines of computational evidence support a deleterious effect on the gene or gene product.

NM_000342.4(SLC4A1):c.1721C>T (p.Ser574Phe)

Gene: SLC4A1 (solute carrier family 4 member 1 (Diego blood group); minus strand). Cytogenetic location: 17q21.31.
Variant type: single nucleotide variant.
Coding change: c.1721C>T on transcript NM_000342.4 (MANE Select); coding-DNA position 1721, C replaced by T.
Protein change: p.Ser574Phe; replaces serine 574 with phenylalanine.
Molecular consequence: missense variant.
Genome position (GRCh38, 1-based): chr17:44,255,752, G>A on the plus strand (C>T on the coding strand, the complement: SLC4A1 is on the minus strand). VCF-style: chr17-44255752-G-A. GRCh37 (hg19) VCF-style: chr17-42333120-G-A.
Other names: short protein forms S574F.
Identifiers: ClinVar variation 2526259 (VCV002526259.5), dbSNP rs1389266610, ClinGen allele CA399784280.